The following is an entry in ClinVar:

NM_198586.3(NHLRC1):c.436G>A (p.Asp146Asn)

Gene: NHLRC1 (NHL repeat containing E3 ubiquitin protein ligase 1; minus strand). Cytogenetic location: 6p22.3.
Variant type: single nucleotide variant.
Coding change: c.436G>A on transcript NM_198586.3 (MANE Select); coding-DNA position 436, G replaced by A.
Protein change: p.Asp146Asn; replaces aspartic acid 146 with asparagine.
Molecular consequence: missense variant.
Genome position (GRCh38, 1-based): chr6:18,122,171, C>T on the plus strand (G>A on the coding strand, the complement: NHLRC1 is on the minus strand). VCF-style: chr6-18122171-C-T. GRCh37 (hg19) VCF-style: chr6-18122402-C-T.
Other names: p.D146N:GAC>AAC; short protein forms D146N.
Identifiers: ClinVar variation 162618 (VCV000162618.66), dbSNP rs769301934, ClinGen allele CA316028.

ClinVar aggregate classification (germline): Pathogenic/Likely pathogenic. Review status: criteria provided, multiple submitters, no conflicts (2 of 4 stars). 8 submissions from 8 submitters: Pathogenic (6); Likely pathogenic (1). 1 of the submissions does not count toward it. Last evaluated 2026-01-12.

Conditions:
Inborn genetic diseases. Identifiers: MedGen C0950123, MeSH D030342.
Lafora disease. Also called: Epilepsy progressive myoclonic 2; Progressive Myoclonus Epilepsy, Lafora Type. Identifiers: Orphanet 501, MedGen C0751783, MONDO:0009697.
Myoclonic epilepsy of Lafora 2. Also called: LAFORA DISEASE 2; EPILEPSY, PROGRESSIVE MYOCLONIC, 2B; NHLRC1-Related Lafora Disease; Epilepsy, progressive myoclonic 2B (Lafora). Identifiers: MedGen C1850764, MONDO:0800306, OMIM 620681.

Allele frequency attached by ClinVar (database versions not stated): ExAC 0.00005; gnomAD exomes 0.00005 and 0.00004; TOPMed 0.00002; gnomAD 0.00003.
gnomAD v4.1: 77 of 1,613,406 alleles (0.0048%); highest among the groups gnomAD compares: Middle Eastern, 0.016%; no homozygotes.

Submissions (8):

Labcorp Genetics (formerly Invitae), Labcorp
Classification: Pathogenic for Lafora disease. Last evaluated: 2026-01-12. Review status: criteria provided, single submitter. Criteria: Invitae Variant Classification Sherloc (09022015). Collection method: clinical testing. Allele origin: germline.
Comment: This sequence change replaces aspartic acid, which is acidic and polar, with asparagine, which is neutral and polar, at codon 146 of the NHLRC1 protein (p.Asp146Asn). This variant is present in population databases (rs769301934, gnomAD 0.01%). This missense change has been observed in individual(s) with Lafora disease (PMID: 12958597, 16529633, 21505799, 22047982, 25667860). It has also been observed to segregate with disease in related individuals. ClinVar contains an entry for this variant (Variation ID: 162618). Invitae Evidence Modeling of protein sequence and biophysical properties (such as structural, functional, and spatial information, amino acid conservation, physicochemical variation, residue mobility, and thermodynamic stability) has been performed for this missense variant. However, the output from this modeling did not meet the statistical confidence thresholds required to predict the impact of this variant on NHLRC1 protein function. Experimental studies have shown that this missense change affects NHLRC1 function (PMID: 17952067, 21505799). For these reasons, this variant has been classified as Pathogenic.

GeneDx
Classification: Pathogenic. Last evaluated: 2025-08-07. Review status: criteria provided, single submitter. Criteria: GeneDx Variant Classification Process June 2021. Collection method: clinical testing. Allele origin: germline. Affected: yes.
Comment: Observed multiple times with another NHLRC1 variant in published literature, but it is not known whether the variants occurred on the same (in cis) or on different (in trans) chromosomes (PMID: 12958597, 21505799, 33773408); Published functional studies indicate that D146N interferes with the protein's ability to clear glycogen accumulation and to interact with other proteins in the glycogen synthesis pathway (PMID: 21505799, 17952067); In silico analysis indicates that this missense variant does not alter protein structure/function; Not observed at significant frequency in large population cohorts (gnomAD); This variant is associated with the following publications: (PMID: 18029386, 25667860, 16529633, 21505799, 22047982, 25270369, 25401298, 33773408, 17952067, 12958597, 22425593, 21738631, 27194917, 29431110, 34426522, 16190947, 31589614, 33540374, 31440721, 36964972, 34117373)

Genomic Research Center, Shahid Beheshti University of Medical Sciences
Classification: Pathogenic. Last evaluated: 2024-07-24. Review status: criteria provided, single submitter. Criteria: ACMG Guidelines, 2015. Collection method: clinical testing. Allele origin: unknown. Affected: yes.

Genomic Medicine Center of Excellence, King Faisal Specialist Hospital and Research Centre
Classification: Likely pathogenic for Myoclonic epilepsy of Lafora 2. Last evaluated: 2024-03-26. Review status: criteria provided, single submitter. Criteria: ACMG Guidelines, 2015. Collection method: clinical testing. Allele origin: germline.

CeGaT Center for Human Genetics Tuebingen
Classification: Pathogenic. Last evaluated: 2023-10-01. Review status: criteria provided, single submitter. Criteria: CeGaT Center For Human Genetics Tuebingen Variant Classification Criteria Version 2. Collection method: clinical testing. Allele origin: germline. Affected: yes. Observed: 3 variant alleles.
Comment: NHLRC1: PM3:Strong, PM2, PM5, PP3, PS3:Supporting

Institute of Medical Genetics and Applied Genomics, University Hospital Tübingen
Classification: Pathogenic. Last evaluated: 2021-06-17. Review status: criteria provided, single submitter. Criteria: ACMG Guidelines, 2015. Collection method: clinical testing. Allele origin: germline. Inheritance: Autosomal recessive inheritance. Affected: yes.

Ambry Genetics
Classification: Pathogenic for Inborn genetic diseases. Last evaluated: 2020-03-04. Review status: criteria provided, single submitter. Criteria: Ambry Variant Classification Scheme 2023. Collection method: clinical testing. Allele origin: germline.
Comment: The p.D146N pathogenic mutation (also known as c.436G>A), located in coding exon 1 of the NHLRC1 gene, results from a G to A substitution at nucleotide position 436. The aspartic acid at codon 146 is replaced by asparagine, an amino acid with highly similar properties. This alteration has been detected in both the homozygous and compound heterozygous states in individuals with Lafora disease who experienced later than average disease onset and atypically slow disease progression (Chan EM et al. Nat. Genet., 2003 Oct;35:125-7; Baykan B et al. Epilepsia, 2005 Oct;46:1695-7; Franceschetti S et al. Epilepsia, 2006 Mar;47:640-3; Salar S et al. Epilepsy Res., 2012 Feb;98:273-6; Ferlazzo E et al. Epilepsia, 2014 Dec;55:e129-33; Lanoisel&eacute;e HM et al. Epilepsy Behav Case Rep, 2014 Jan;2:19-21; Bisulli F et al. Orphanet J Rare Dis, 2019 06;14:149). In addition, in two functional studies, this alteration was shown to impair interaction with laforin and failed to induce the degradation of protein targeting to glycogen (PTG), leading to intracellular glycogen accumulation (Couarch P et al. J. Mol. Med., 2011 Sep;89:915-25; Vilchez D et al. Nat. Neurosci., 2007 Nov;10:1407-13). Of note, these results are consistent with a finding in the malin knockout mouse, which showed glycogen accumulation underlies neurodegeration in Lafora disease (Duran J et al. Hum. Mol. Genet., 2014 Jun;23:3147-56). Based on the supporting evidence, this alteration is interpreted as a disease-causing mutation.

GeneReviews
No classification provided. Condition: Lafora disease. Review status: no classification provided. Collection method: literature only. Allele origin: germline. Not counted in ClinVar's aggregate classification.

Literature cited by the submitters: PubMed 12958597 (cited by Labcorp Genetics (formerly Invitae), Labcorp and Ambry Genetics); PubMed 16529633 (cited by Labcorp Genetics (formerly Invitae), Labcorp and Ambry Genetics); PubMed 21505799 (cited by Labcorp Genetics (formerly Invitae), Labcorp and Ambry Genetics); PubMed 22047982 (cited by Labcorp Genetics (formerly Invitae), Labcorp and Ambry Genetics); PubMed 25667860 (cited by Labcorp Genetics (formerly Invitae), Labcorp and Ambry Genetics); PubMed 17952067 (cited by Labcorp Genetics (formerly Invitae), Labcorp and Ambry Genetics); PubMed 15781812 (cited by Ambry Genetics); PubMed 16190947 (cited by Ambry Genetics); PubMed 19267391 (cited by Ambry Genetics); PubMed 24452334 (cited by Ambry Genetics); PubMed 25270369 (cited by Ambry Genetics and GeneReviews); PubMed 25401298 (cited by Ambry Genetics); PubMed 27194917 (cited by Ambry Genetics); PubMed 31227012 (cited by Ambry Genetics); NCBI Bookshelf NBK1389 (cited by GeneReviews).